The following is an entry in ClinVar:

NM_015935.5(METTL13):c.1509C>T (p.Gly503=)

Gene: METTL13 (methyltransferase 13, eEF1A N-terminus and K55; plus strand). Cytogenetic location: 1q24.3.
Variant type: single nucleotide variant.
Coding change: c.1509C>T on transcript NM_015935.5 (MANE Select); coding-DNA position 1509, C replaced by T.
Protein change: p.Gly503=; no amino-acid change (glycine 503 retained).
Molecular consequence: synonymous variant.
Genome position (GRCh38, 1-based): chr1:171,792,051, C>T. VCF-style: chr1-171792051-C-T. GRCh37 (hg19) VCF-style: chr1-171761191-C-T.
Other names: NC_000001.10:g.171761191C>T; c.1041C>T, p.Gly347= (NM_001007239.2); c.1251C>T, p.Gly417= (NM_014955.3).
Identifiers: ClinVar variation 3040659 (VCV003040659.3), dbSNP rs2232822, ClinGen allele CA1244906.

ClinVar aggregate classification (germline): Benign (0 of 4 stars; one submission).

Conditions:
METTL13-related disorder. Also called: METTL13-related condition.

Allele frequency attached by ClinVar (database versions not stated): ExAC 0.00215; 1000 Genomes Project 30x 0.00687; 1000 Genomes Project 0.00699; gnomAD 0.00704; ESP Exome Variant Server 0.00884.
gnomAD v4.1: 2,123 of 1,612,852 alleles (0.13%); highest among the groups gnomAD compares: African/African-American, 2.5%; 27 homozygotes.

Submissions (8):

PreventionGenetics, part of Exact Sciences
Classification: Benign for METTL13-related condition. Last evaluated: 2019-04-09. Review status: no assertion criteria provided. Collection method: clinical testing. Allele origin: germline.
Comment: This variant is classified as benign based on ACMG/AMP sequence variant interpretation guidelines (Richards et al. 2015 PMID: 25741868, with internal and published modifications).

Dr. Peter K. Rogan Lab, Western University
No classification provided (evidence only). Condition: Uterine corpus endometrial carcinoma. Review status: no classification provided. Collection method: in vitro. Allele origin: not applicable. Functional consequence: skipped exon, retained intron. Not counted in ClinVar's aggregate classification.

Dr. Peter K. Rogan Lab, Western University
No classification provided (evidence only). Condition: Uterine corpus endometrial carcinoma. Review status: no classification provided. Collection method: in vitro. Allele origin: not applicable. Functional consequence: skipped exon. Not counted in ClinVar's aggregate classification.

Dr. Peter K. Rogan Lab, Western University
No classification provided (evidence only). Condition: Uterine corpus endometrial carcinoma. Review status: no classification provided. Collection method: in vitro. Allele origin: not applicable. Functional consequence: retained intron. Not counted in ClinVar's aggregate classification.

Dr. Peter K. Rogan Lab, Western University
No classification provided (evidence only). Condition: Uterine corpus endometrial carcinoma. Review status: no classification provided. Collection method: in vitro. Allele origin: not applicable. Functional consequence: skipped exon, retained intron. Not counted in ClinVar's aggregate classification.

Dr. Peter K. Rogan Lab, Western University
No classification provided (evidence only). Condition: Sarcoma. Review status: no classification provided. Collection method: in vitro. Allele origin: not applicable. Functional consequence: retained intron. Not counted in ClinVar's aggregate classification.

Dr. Peter K. Rogan Lab, Western University
No classification provided (evidence only). Condition: Sarcoma. Review status: no classification provided. Collection method: in vitro. Allele origin: not applicable. Functional consequence: retained intron. Not counted in ClinVar's aggregate classification.

Dr. Peter K. Rogan Lab, Western University
No classification provided (evidence only). Condition: Gastric cancer. Review status: no classification provided. Collection method: in vitro. Allele origin: not applicable. Functional consequence: retained intron. Not counted in ClinVar's aggregate classification.